The following is an entry in ClinVar:

NM_033056.4(PCDH15):c.4368-3_4369dup

Gene: PCDH15 (protocadherin related 15; minus strand). Cytogenetic location: 10q21.1.
Variant type: Duplication.
Coding change: c.4368-3_4369dup on transcript NM_033056.4 (MANE Plus Clinical); 3 bases into the intron before coding-DNA position 4368 through coding-DNA position 4369, 5 bases duplicated (AAGTC; older notation c.4368-3_4369dupAAGTC).
Molecular consequence: splice acceptor variant. On other transcripts: intron variant (8).
Genome position (GRCh38, 1-based): chr10:53,823,357-53,823,361, GACTT duplicated on the plus strand (AAGTC on the coding strand, the reverse complement: PCDH15 is on the minus strand); duplicating any 5 consecutive bases within chr10:53,823,357-53,823,363 gives the same sequence; the c. name uses the placement nearest the transcript's 3' end. VCF-style (leftmost placement, unchanged base first): chr10-53823356-A-AGACTT. GRCh37 (hg19) VCF-style: chr10-55583116-A-AGACTT.
Other names: c.4367+4032_4367+4036dup (NM_001354420.2, NM_001354429.2); c.4368-3131_4368-3127dup (NM_001384140.1); c.4373+1775_4373+1779dup (NM_001142772.2, NM_001142770.3); c.4388+1775_4388+1779dup (NM_001142771.2); c.4388+4032_4388+4036dup (NM_001354411.2); c.4409+1775_4409+1779dup (NM_001142769.3); c.4302-3_4303dup (NM_001354404.2); c.4299-3_4300dup (NM_001142773.2); and 6 more.
Identifiers: ClinVar variation 957912 (VCV000957912.8), dbSNP rs866966373, ClinGen allele CA207221181.

ClinVar aggregate classification (germline): Conflicting classifications of pathogenicity. Review status: criteria provided, conflicting classifications (1 of 4 stars). 3 submissions from 3 submitters: Likely pathogenic (1); Uncertain significance (2). Last evaluated 2022-11-03.

Submissions (3):

Revvity Omics, Revvity
Classification: Likely pathogenic. Last evaluated: 2022-11-03. Review status: criteria provided, single submitter. Criteria: ACMG Guidelines, 2015. Collection method: clinical testing. Allele origin: germline.

Labcorp Genetics (formerly Invitae), Labcorp
Classification: Uncertain significance. Last evaluated: 2022-08-16. Review status: criteria provided, single submitter. Criteria: Invitae Variant Classification Sherloc (09022015). Collection method: clinical testing. Allele origin: germline.
Comment: This sequence change falls in intron 32 of the PCDH15 gene. It does not directly change the encoded amino acid sequence of the PCDH15 protein. This variant is not present in population databases (gnomAD no frequency). This variant has not been reported in the literature in individuals affected with PCDH15-related conditions. ClinVar contains an entry for this variant (Variation ID: 957912). Algorithms developed to predict the effect of sequence changes on RNA splicing suggest that this variant may disrupt the consensus splice site. In summary, the available evidence is currently insufficient to determine the role of this variant in disease. Therefore, it has been classified as a Variant of Uncertain Significance.

Blueprint Genetics
Classification: Uncertain significance. Last evaluated: 2019-11-28. Review status: criteria provided, single submitter. Criteria: ACMG Guidelines, 2015. Collection method: clinical testing. Allele origin: germline.